The following is an entry in ClinVar:

ClinVar aggregate classification (germline): Conflicting classifications of pathogenicity. Review status: criteria provided, conflicting classifications (1 of 4 stars). 2 submissions from 2 submitters: Uncertain significance (1); Likely benign (1). Last evaluated 2025-03-18.

Allele frequency attached by ClinVar (database versions not stated): TOPMed 0.00001.
gnomAD v4.1: 2 of 1,613,062 alleles (0.00012%); highest among the groups gnomAD compares: Non-Finnish European, 0.00017%; no homozygotes.

Submissions (2):

Labcorp Genetics (formerly Invitae), Labcorp
Classification: Likely benign. Last evaluated: 2025-03-18. Review status: criteria provided, single submitter. Criteria: Invitae Variant Classification Sherloc (09022015). Collection method: clinical testing. Allele origin: germline.

GeneDx
Classification: Uncertain significance. Last evaluated: 2023-03-23. Review status: criteria provided, single submitter. Criteria: GeneDx Variant Classification Process June 2021. Collection method: clinical testing. Allele origin: germline. Affected: yes.
Comment: Not observed at significant frequency in large population cohorts (gnomAD); In silico analysis supports that this missense variant does not alter protein structure/function; Has not been previously published as pathogenic or benign to our knowledge

NM_014727.3(KMT2B):c.2797G>A (p.Gly933Arg)

Gene: KMT2B (lysine methyltransferase 2B; plus strand). Cytogenetic location: 19q13.12.
Variant type: single nucleotide variant.
Coding change: c.2797G>A on transcript NM_014727.3 (MANE Select); coding-DNA position 2797, G replaced by A.
Protein change: p.Gly933Arg; replaces glycine 933 with arginine.
Molecular consequence: missense variant.
Genome position (GRCh38, 1-based): chr19:35,723,069, G>A. VCF-style: chr19-35723069-G-A. GRCh37 (hg19) VCF-style: chr19-36213971-G-A.
Other names: c.2797G>A (NM_014727.2); short protein forms G933R.
Identifiers: ClinVar variation 2414079 (VCV002414079.7), dbSNP rs1344249067, ClinGen allele CA405401818.